The following is an entry in ClinVar:

ClinVar aggregate classification (germline): Likely benign. Review status: criteria provided, multiple submitters, no conflicts (2 of 4 stars). 4 submissions from 4 submitters: Likely benign (4). Last evaluated 2026-09-11.

Conditions:
PIEZO1-related disorder. Also called: PIEZO1-related condition; PIEZO1-Related Disorders.

Allele frequency attached by ClinVar (database versions not stated): gnomAD exomes 0.00006 and 0.00007; gnomAD 0.00013 and 0.00014; TOPMed 0.00013.
gnomAD v4.1: 103 of 1,548,814 alleles (0.0067%); highest among the groups gnomAD compares: African/African-American, 0.023%; no homozygotes.

Submissions (4):

PreventionGenetics, part of Exact Sciences
Classification: Likely benign for PIEZO1-related condition. Last evaluated: 2026-09-11. Review status: criteria provided, single submitter. Criteria: ACMG Guidelines, 2015. Collection method: clinical testing. Allele origin: germline.
Comment: This variant is classified as likely benign based on ACMG/AMP sequence variant interpretation guidelines (Richards et al. 2015 PMID: 25741868, with internal and published modifications).

Mayo Clinic Laboratories, Mayo Clinic
Classification: Likely benign. Last evaluated: 2025-07-02. Review status: criteria provided, single submitter. Criteria: ACMG Guidelines, 2015. Collection method: clinical testing. Allele origin: germline. Observed: 1 variant allele.
Comment: BP4, BP7, PM2_supporting

Labcorp Genetics (formerly Invitae), Labcorp
Classification: Likely benign. Last evaluated: 2025-04-28. Review status: criteria provided, single submitter. Criteria: Invitae Variant Classification Sherloc (09022015). Collection method: clinical testing. Allele origin: germline.

Blueprint Genetics
Classification: Likely benign. Last evaluated: 2023-09-19. Review status: criteria provided, single submitter. Criteria: ACMG Guidelines, 2015. Collection method: clinical testing. Allele origin: germline.

NM_001142864.4(PIEZO1):c.2463C>T (p.Tyr821=)

Genes: PIEZO1 (piezo type mechanosensitive ion channel component 1 (Er blood group); minus strand), HSALR1 (HSP90AB1 associated lncRNA 1; plus strand). Cytogenetic location: 16q24.3.
Variant type: single nucleotide variant.
Coding change: c.2463C>T on transcript NM_001142864.4 (MANE Select); coding-DNA position 2463, C replaced by T.
Protein change: p.Tyr821=; no amino-acid change (tyrosine 821 retained).
Molecular consequence: synonymous variant.
Genome position (GRCh38, 1-based): chr16:88,733,612, G>A on the plus strand (C>T on the coding strand, the complement: PIEZO1 is on the minus strand). VCF-style: chr16-88733612-G-A. GRCh37 (hg19) VCF-style: chr16-88800020-G-A.
Other names: p.Tyr821=.
Identifiers: ClinVar variation 794708 (VCV000794708.9), dbSNP rs563693664, ClinGen allele CA286422587.